The following is an entry in ClinVar:

NM_003002.4(SDHD):c.179A>G (p.Lys60Arg)

Gene: SDHD (succinate dehydrogenase complex subunit D; plus strand). Cytogenetic location: 11q23.1.
Variant type: single nucleotide variant.
Coding change: c.179A>G on transcript NM_003002.4 (MANE Select); coding-DNA position 179, A replaced by G.
Protein change: p.Lys60Arg; replaces lysine 60 with arginine.
Molecular consequence: missense variant. On other transcripts: non-coding transcript variant (1), intron variant (1).
Genome position (GRCh38, 1-based): chr11:112,088,876, A>G. VCF-style: chr11-112088876-A-G. GRCh37 (hg19) VCF-style: chr11-111959600-A-G.
Other names: c.179A>G (NM_003002.2); c.62A>G, p.Lys21Arg (NM_001276504.2); c.179A>G, p.Lys60Arg (NM_001276506.2); c.169+903A>G (NM_001276503.2); short protein forms K60R, K21R.
Identifiers: ClinVar variation 2942933 (VCV002942933.4), dbSNP rs1224764636, ClinGen allele CA382617168.

ClinVar aggregate classification (germline): Uncertain significance. Review status: criteria provided, multiple submitters, no conflicts (2 of 4 stars). 2 submissions from 2 submitters: Uncertain significance (2). Last evaluated 2026-08-28.

Conditions:
Carney-Stratakis syndrome. Also called: PARAGANGLIOMA AND GASTROINTESTINAL STROMAL TUMOR. Identifiers: Orphanet 97286, MedGen C1847319, MONDO:0011740, OMIM 606864.
Pheochromocytoma. Also called: MAX-Related Hereditary Paraganglioma-Pheochromocytoma Syndrome. Identifiers: Orphanet 29072, MedGen C0031511, MONDO:0008233, OMIM 171300, HP:0002666.
Paragangliomas with sensorineural hearing loss. Identifiers: MedGen C1868633.
Cowden syndrome 3 (CWS3). Identifiers: Orphanet 201, MedGen CN166604, MONDO:0014045.
Hereditary cancer-predisposing syndrome. Also called: Hereditary Cancer Syndrome; Hereditary neoplastic syndrome; Neoplastic Syndromes, Hereditary; Tumor predisposition. Identifiers: Orphanet 140162, MedGen C0027672, MeSH D009386, MONDO:0015356.

Allele frequency attached by ClinVar (database versions not stated): gnomAD exomes below 0.00001.
gnomAD v4.1: 1 of 1,612,298 alleles (0.000062%); highest among the groups gnomAD compares: East Asian, 0.0022%; no homozygotes.

Submissions (2):

Ambry Genetics
Classification: Uncertain significance for Hereditary cancer-predisposing syndrome. Last evaluated: 2026-08-28. Review status: criteria provided, single submitter. Criteria: Ambry Variant Classification Scheme 2023. Collection method: clinical testing. Allele origin: germline.
Comment: The p.K60R variant (also known as c.179A>G), located in coding exon 3 of the SDHD gene, results from an A to G substitution at nucleotide position 179. The lysine at codon 60 is replaced by arginine, an amino acid with highly similar properties. This amino acid position is highly conserved in available vertebrate species. In addition, this alteration is predicted to be deleterious by in silico analysis. Based on the available evidence, the clinical significance of this variant remains unclear.

Labcorp Genetics (formerly Invitae), Labcorp
Classification: Uncertain significance for Carney-Stratakis syndrome; Paragangliomas with sensorineural hearing loss; Pheochromocytoma; Cowden syndrome 3. Last evaluated: 2023-06-05. Review status: criteria provided, single submitter. Criteria: Invitae Variant Classification Sherloc (09022015). Collection method: clinical testing. Allele origin: germline.
Comment: Advanced modeling of protein sequence and biophysical properties (such as structural, functional, and spatial information, amino acid conservation, physicochemical variation, residue mobility, and thermodynamic stability) has been performed at Invitae for this missense variant, however the output from this modeling did not meet the statistical confidence thresholds required to predict the impact of this variant on SDHD protein function. This sequence change replaces lysine, which is basic and polar, with arginine, which is basic and polar, at codon 60 of the SDHD protein (p.Lys60Arg). This variant is present in population databases (no rsID available, gnomAD 0.006%). This variant has not been reported in the literature in individuals affected with SDHD-related conditions. In summary, the available evidence is currently insufficient to determine the role of this variant in disease. Therefore, it has been classified as a Variant of Uncertain Significance.